The following is an entry in ClinVar:

NM_004035.7(ACOX1):c.430+1G>A

Gene: ACOX1 (acyl-CoA oxidase 1; minus strand). Cytogenetic location: 17q25.1.
Variant type: single nucleotide variant.
Coding change: c.430+1G>A on transcript NM_004035.7 (MANE Select); the canonical splice donor site of the intron after coding-DNA position 430, G replaced by A.
Molecular consequence: splice donor variant. On other transcripts: intron variant (1).
Genome position (GRCh38, 1-based): chr17:75,960,214, C>T on the plus strand (G>A on the coding strand, the complement: ACOX1 is on the minus strand). VCF-style: chr17-75960214-C-T. GRCh37 (hg19) VCF-style: chr17-73956295-C-T.
Other names: c.430+1G>A (NM_004035.6); c.431-2648G>A (NM_007292.6); c.316+1G>A (NM_001185039.2).
Identifiers: ClinVar variation 3583062 (VCV003583062.2).

ClinVar aggregate classification (germline): Likely pathogenic. Review status: criteria provided, multiple submitters, no conflicts (2 of 4 stars). 2 submissions from 2 submitters: Likely pathogenic (2). Last evaluated 2026-03-26.

Conditions:
ACOX1-related disorder. Also called: ACOX1-related condition; ACOX1-related disorders.
Acyl-CoA oxidase deficiency. Also called: STRAIGHT-CHAIN ACYL-CoA OXIDASE DEFICIENCY; Pseudoneonatal adrenoleukodystrophy; Peroxisomal acyl-CoA oxidase deficiency. Identifiers: Orphanet 2971, MedGen C1849678, MONDO:0009919, OMIM 264470. Disease mechanism: loss of function.
Mitchell syndrome. Identifiers: Orphanet 631248, MedGen C5394554, MONDO:0030073, OMIM 618960.

Submissions (2):

PreventionGenetics, part of Exact Sciences
Classification: Likely pathogenic for ACOX1-related condition. Last evaluated: 2026-03-26. Review status: criteria provided, single submitter. Criteria: ACMG Guidelines, 2015. Collection method: clinical testing. Allele origin: germline.
Comment: The ACOX1 c.430+1G>A variant is predicted to disrupt the GT donor site and interfere with normal splicing. To our knowledge, this variant has not been reported in the literature. This variant has not been reported in a large population database (gnomAD), indicating this variant is rare. Variants that disrupt the consensus splice donor site in ACOX1 are expected to be pathogenic. This variant is interpreted as likely pathogenic.

Fulgent Genetics
Classification: Likely pathogenic for Acyl-CoA oxidase deficiency; Mitchell syndrome. Last evaluated: 2024-02-16. Review status: criteria provided, single submitter. Criteria: ACMG Guidelines, 2015. Collection method: clinical testing. Allele origin: germline.